The following is an entry in ClinVar:

ClinVar aggregate classification (germline): Pathogenic (1 of 4 stars; one submission).

Conditions:
Bloom syndrome (BLM). Also called: Bloom-Torre-Machacek syndrome. Identifiers: Orphanet 125, MedGen C0005859, MONDO:0008876, OMIM 210900.

Submission:

Labcorp Genetics (formerly Invitae), Labcorp
Classification: Pathogenic for Bloom syndrome. Last evaluated: 2022-08-05. Review status: criteria provided, single submitter. Criteria: Invitae Variant Classification Sherloc (09022015). Collection method: clinical testing. Allele origin: germline.
Comment: This sequence change creates a premature translational stop signal (p.Leu411*) in the BLM gene. It is expected to result in an absent or disrupted protein product. Loss-of-function variants in BLM are known to be pathogenic (PMID: 17407155). Information on the frequency of this variant in the gnomAD database is not available, as this variant may be reported differently in the database. This variant has not been reported in the literature in individuals affected with BLM-related conditions. For these reasons, this variant has been classified as Pathogenic.

Literature cited by the submitters: PubMed 17407155.

NM_000057.4(BLM):c.1231_1232delinsTA (p.Leu411Ter)

Gene: BLM (BLM RecQ like helicase; plus strand). Cytogenetic location: 15q26.1.
Variant type: Indel.
Coding change: c.1231_1232delinsTA on transcript NM_000057.4 (MANE Select); coding-DNA positions 1231 to 1232, CT replaced by TA.
Protein change: p.Leu411Ter; replaces leucine 411 with a stop codon.
Molecular consequence: nonsense.
Genome position (GRCh38, 1-based): chr15:90,760,604-90,760,605, CT replaced by TA. VCF-style: chr15-90760604-CT-TA. GRCh37 (hg19) VCF-style: chr15-91303834-CT-TA.
Other names: c.1231_1232delinsTA, p.Leu411Ter (NM_001287246.2, NM_001287247.2); c.106_107delinsTA, p.Leu36Ter (NM_001287248.2); short protein forms L411*, L36*.
Identifiers: ClinVar variation 2021620 (VCV002021620.4), dbSNP rs2505423919, ClinGen allele CA2580090251.